The following is an entry in ClinVar:

ClinVar aggregate classification (germline): Likely benign (1 of 4 stars; one submission).

Allele frequency attached by ClinVar (database versions not stated): gnomAD exomes 0.00001.
gnomAD v4.1: 13 of 1,211,714 alleles (0.0011%); highest among the groups gnomAD compares: Non-Finnish European, 0.0013%; no homozygotes.

Submission:

CeGaT Center for Human Genetics Tuebingen
Classification: Likely benign. Last evaluated: 2024-05-01. Review status: criteria provided, single submitter. Criteria: CeGaT Center For Human Genetics Tuebingen Variant Classification Criteria Version 2. Collection method: clinical testing. Allele origin: germline. Affected: yes. Observed: 1 variant allele.
Comment: TLR7: BP4, BP7

NM_016562.4(TLR7):c.2424G>A (p.Leu808=)

Gene: TLR7 (toll like receptor 7; plus strand). Cytogenetic location: Xp22.2.
Variant type: single nucleotide variant.
Coding change: c.2424G>A on transcript NM_016562.4 (MANE Select); coding-DNA position 2424, G replaced by A.
Protein change: p.Leu808=; no amino-acid change (leucine 808 retained).
Molecular consequence: synonymous variant.
Genome position (GRCh38, 1-based): chrX:12,887,932, G>A. VCF-style: chrX-12887932-G-A. GRCh37 (hg19) VCF-style: chrX-12906051-G-A.
Identifiers: ClinVar variation 3239411 (VCV003239411.19), dbSNP rs1180266079.